The following is an entry in ClinVar:

ClinVar aggregate classification (germline): Conflicting classifications of pathogenicity. Review status: criteria provided, conflicting classifications (1 of 4 stars). 4 submissions from 4 submitters: Uncertain significance (3); Likely benign (1). Last evaluated 2025-06-10.

Conditions:
Hereditary nonpolyposis colorectal neoplasms. Identifiers: MedGen C0009405, MeSH D003123.
Hereditary cancer-predisposing syndrome. Also called: Hereditary Cancer Syndrome; Hereditary neoplastic syndrome; Tumor predisposition; Neoplastic Syndromes, Hereditary. Identifiers: Orphanet 140162, MedGen C0027672, MeSH D009386, MONDO:0015356.

Allele frequency attached by ClinVar (database versions not stated): ExAC 0.00001.
gnomAD v4.1: 1 of 1,613,498 alleles (0.000062%); highest among the groups gnomAD compares: Non-Finnish European, 0.000085%; no homozygotes.

Submissions (4):

Ambry Genetics
Classification: Uncertain significance for Hereditary cancer-predisposing syndrome. Last evaluated: 2025-06-10. Review status: criteria provided, single submitter. Criteria: Ambry Variant Classification Scheme 2023. Collection method: clinical testing. Allele origin: germline.
Comment: The p.D392E variant (also known as c.1176T>A), located in coding exon 4 of the MSH6 gene, results from a T to A substitution at nucleotide position 1176. The aspartic acid at codon 392 is replaced by glutamic acid, an amino acid with highly similar properties. This amino acid position is not well conserved in available vertebrate species. In addition, the in silico prediction for this alteration is inconclusive. Based on the available evidence, the clinical significance of this variant remains unclear.

Center for Genomic Medicine, Rigshospitalet, Copenhagen University Hospital
Classification: Uncertain significance. Last evaluated: 2025-03-04. Review status: criteria provided, single submitter. Criteria: ACMG Guidelines, 2015. Collection method: clinical testing. Allele origin: germline.

Labcorp Genetics (formerly Invitae), Labcorp
Classification: Likely benign for Hereditary nonpolyposis colorectal neoplasms. Last evaluated: 2024-10-20. Review status: criteria provided, single submitter. Criteria: Invitae Variant Classification Sherloc (09022015). Collection method: clinical testing. Allele origin: germline.

GeneDx
Classification: Uncertain significance. Last evaluated: 2014-03-24. Review status: criteria provided, single submitter. Criteria: GeneDx Variant Classification (06012015). Collection method: clinical testing. Allele origin: germline. Affected: yes.
Comment: This variant is denoted MSH6 c.1176T>A at the cDNA level, p.Asp392Glu (D392E) at the protein level, and results in the change of an Aspartic Acid to a Glutamic Acid (GAT>GAA). This variant has not, to our knowledge, been published in the literature as pathogenic or benign. MSH6 Asp392Glu was not observed in approximately 6,500 individuals of European and African American ancestry in the NHLBI Exome Sequencing Project, indicating it is not a common benign variant in these populations. Since Aspartic Acid and Glutamic Acid share similar properties, this is considered a conservative amino acid substitution and is unlikely to affect protein integrity. MSH6 Asp392Glu occurs at a position that is well conserved across species and is not located in a known functional domain. In silico analyses predict that this variant is probably damaging to protein structure and function. Based on currently available information, it is unclear whether MSH6 Asp392Glu is pathogenic or benign. We consider it to be a variant of uncertain significance.Of note, two deleterious MSH6 mutations on opposite chromosomes (in trans) are expected to cause Congenital Mismatch Repair Deficiency syndrome (CMMR-D). Therefore, if the variants are in trans, and if this patient does not have CMMR-D, then at least one variant is likely benign. Parental or family testing could help determine whether the variants are in cis or trans.

NM_000179.3(MSH6):c.1176T>A (p.Asp392Glu)

Gene: MSH6 (mutS homolog 6; plus strand). Cytogenetic location: 2p16.3.
Variant type: single nucleotide variant.
Coding change: c.1176T>A on transcript NM_000179.3 (MANE Select); coding-DNA position 1176, T replaced by A.
Protein change: p.Asp392Glu; replaces aspartic acid 392 with glutamic acid.
Molecular consequence: missense variant.
Genome position (GRCh38, 1-based): chr2:47,799,159, T>A. VCF-style: chr2-47799159-T-A. GRCh37 (hg19) VCF-style: chr2-48026298-T-A.
Other names: p.D392E:GAT>GAA; c.786T>A, p.Asp262Glu (NM_001281492.2); c.270T>A, p.Asp90Glu (NM_001281493.2, NM_001281494.2); short protein forms D392E, D262E, D90E.
Identifiers: ClinVar variation 127556 (VCV000127556.11), dbSNP rs587779912, ClinGen allele CA008231.